The following is an entry in ClinVar:

NM_001145026.2(PTPRQ):c.6180C>A (p.Ala2060=)

Gene: PTPRQ (protein tyrosine phosphatase receptor type Q; plus strand). Cytogenetic location: 12q21.31.
Variant type: single nucleotide variant.
Coding change: c.6180C>A on transcript NM_001145026.2 (MANE Select); coding-DNA position 6180, C replaced by A.
Protein change: p.Ala2060=; no amino-acid change (alanine 2060 retained).
Molecular consequence: synonymous variant.
Genome position (GRCh38, 1-based): chr12:80,658,049, C>A. VCF-style: chr12-80658049-C-A. GRCh37 (hg19) VCF-style: chr12-81051828-C-A.
Identifiers: ClinVar variation 4076612 (VCV004076612.1).

ClinVar aggregate classification (germline): Uncertain significance (1 of 4 stars; one submission).

Submission:

GeneDx
Classification: Uncertain significance. Last evaluated: 2025-02-18. Review status: criteria provided, single submitter. Criteria: GeneDx Variant Classification Process June 2021. Collection method: clinical testing. Allele origin: germline. Affected: yes.
Comment: Not observed at significant frequency in large population cohorts (gnomAD); In silico analysis indicates that this variant does not alter splicing; Has not been previously published as pathogenic or benign to our knowledge